The following is an entry in ClinVar:

NM_080605.4(B3GALT6):c.651C>G (p.Gly217=)

Gene: B3GALT6 (beta-1,3-galactosyltransferase 6; plus strand). Cytogenetic location: 1p36.33.
Variant type: single nucleotide variant.
Coding change: c.651C>G on transcript NM_080605.4 (MANE Select); coding-DNA position 651, C replaced by G.
Protein change: p.Gly217=; no amino-acid change (glycine 217 retained).
Molecular consequence: synonymous variant.
Genome position (GRCh38, 1-based): chr1:1,232,929, C>G. VCF-style: chr1-1232929-C-G. GRCh37 (hg19) VCF-style: chr1-1168309-C-G.
Identifiers: ClinVar variation 1312140 (VCV001312140.2), dbSNP rs764901184, ClinGen allele CA415760885.

ClinVar aggregate classification (germline): Uncertain significance (1 of 4 stars; one submission).

Submission:

GeneDx
Classification: Uncertain significance. Last evaluated: 2019-09-06. Review status: criteria provided, single submitter. Criteria: GeneDx Variant Classification Process June 2021. Collection method: clinical testing. Allele origin: germline. Affected: yes.
Comment: Not observed in large population cohorts (Lek et al., 2016); Has not been previously published as pathogenic or benign to our knowledge; In silico analysis, which includes splice predictors and evolutionary conservation, suggests this variant may impact gene splicing. In the absence of RNA/functional studies, the actual effect of this sequence change is unknown.